The following is an entry in ClinVar:

NM_206933.4(USH2A):c.1231G>A (p.Asp411Asn)

Gene: USH2A (usherin; minus strand). Cytogenetic location: 1q41.
Variant type: single nucleotide variant.
Coding change: c.1231G>A on transcript NM_206933.4 (MANE Select); coding-DNA position 1231, G replaced by A.
Protein change: p.Asp411Asn; replaces aspartic acid 411 with asparagine.
Molecular consequence: missense variant.
Genome position (GRCh38, 1-based): chr1:216,324,265, C>T on the plus strand (G>A on the coding strand, the complement: USH2A is on the minus strand). VCF-style: chr1-216324265-C-T. GRCh37 (hg19) VCF-style: chr1-216497607-C-T.
Other names: c.1231G>A (NM_206933.2); c.1231G>A, p.Asp411Asn (NM_007123.6); short protein forms D411N.
Identifiers: ClinVar variation 3707709 (VCV003707709.4).

ClinVar aggregate classification (germline): Uncertain significance. Review status: criteria provided, multiple submitters, no conflicts (2 of 4 stars). 3 submissions from 3 submitters: Uncertain significance (3). Last evaluated 2026-09-15.

Conditions:
USH2A-related disorder. Also called: USH2A-related condition; USH2A-related disorders. Identifiers: MedGen CN239332.

gnomAD v4.1: 7 of 1,613,284 alleles (0.00043%); highest among the groups gnomAD compares: Non-Finnish European, 0.00059%; no homozygotes.

Submissions (3):

PreventionGenetics, part of Exact Sciences
Classification: Uncertain significance for USH2A-related condition. Last evaluated: 2026-09-15. Review status: criteria provided, single submitter. Criteria: ACMG Guidelines, 2015. Collection method: clinical testing. Allele origin: germline.
Comment: The USH2A c.1231G>A variant is predicted to result in the amino acid substitution p.Asp411Asn. To our knowledge, this variant has not been reported in the literature or in a large population database (gnomAD), indicating this variant is rare. At this time, the clinical significance of this variant is uncertain due to the absence of conclusive functional and genetic evidence.

Labcorp Genetics (formerly Invitae), Labcorp
Classification: Uncertain significance. Last evaluated: 2024-12-03. Review status: criteria provided, single submitter. Criteria: Invitae Variant Classification Sherloc (09022015). Collection method: clinical testing. Allele origin: germline.
Comment: This sequence change replaces aspartic acid, which is acidic and polar, with asparagine, which is neutral and polar, at codon 411 of the USH2A protein (p.Asp411Asn). This variant is not present in population databases (gnomAD no frequency). This variant has not been reported in the literature in individuals affected with USH2A-related conditions. Invitae Evidence Modeling of protein sequence and biophysical properties (such as structural, functional, and spatial information, amino acid conservation, physicochemical variation, residue mobility, and thermodynamic stability) indicates that this missense variant is expected to disrupt USH2A protein function with a positive predictive value of 95%. In summary, the available evidence is currently insufficient to determine the role of this variant in disease. Therefore, it has been classified as a Variant of Uncertain Significance.

Blueprint Genetics
Classification: Uncertain significance. Last evaluated: 2024-02-26. Review status: criteria provided, single submitter. Criteria: ACMG Guidelines, 2015. Collection method: clinical testing. Allele origin: germline.